The following is an entry in ClinVar:

ClinVar aggregate classification (germline): Conflicting classifications of pathogenicity. Review status: criteria provided, conflicting classifications (1 of 4 stars). 5 submissions from 5 submitters: Uncertain significance (4); Benign (1). Last evaluated 2025-12-22.

Conditions:
Bethlem myopathy 1A. Also called: Bethlem myopathy 1; Bethlem Muscular Dystrophy; MYOPATHY, BENIGN CONGENITAL, WITH CONTRACTURES. Identifiers: Orphanet 610, MedGen CN029274, MONDO:0024530, OMIM 158810.
Ullrich congenital muscular dystrophy 1A. Also called: Ullrich congenital muscular dystrophy 1; Intermediate COL6-RD. Identifiers: Orphanet 75840, MedGen C0410179, MONDO:0009681, OMIM 254090.

Allele frequency attached by ClinVar (database versions not stated): ESP Exome Variant Server 0.00008; gnomAD exomes 0.00003 and 0.00009; ExAC 0.00005; gnomAD 0.00021; 1000 Genomes Project 30x 0.00062; TOPMed 0.00025; 1000 Genomes Project 0.00080.
gnomAD v4.1: 80 of 1,612,008 alleles (0.005%); highest among the groups gnomAD compares: African/African-American, 0.065%; no homozygotes.

Submissions (5):

Labcorp Genetics (formerly Invitae), Labcorp
Classification: Benign for Bethlem myopathy 1A. Last evaluated: 2025-12-22. Review status: criteria provided, single submitter. Criteria: Invitae Variant Classification Sherloc (09022015). Collection method: clinical testing. Allele origin: germline.

Revvity Omics, Revvity
Classification: Uncertain significance. Last evaluated: 2024-05-30. Review status: criteria provided, single submitter. Criteria: ACMG Guidelines, 2015. Collection method: clinical testing. Allele origin: germline.

Fulgent Genetics
Classification: Uncertain significance for Bethlem myopathy 1A; Ullrich congenital muscular dystrophy 1A. Last evaluated: 2018-10-31. Review status: criteria provided, single submitter. Criteria: ACMG Guidelines, 2015. Collection method: clinical testing. Allele origin: unknown.

GeneDx
Classification: Uncertain significance. Last evaluated: 2017-11-02. Review status: criteria provided, single submitter. Criteria: GeneDx Variant Classification (06012015). Collection method: clinical testing. Allele origin: germline. Affected: yes.
Comment: The R872W variant in the COL6A1 gene has been reported previously in a patient with Down syndrome and an atrioventricular septal defect; however, additional clinical and family segregation information were not provided (Ackerman et al., 2012). The R872W variant is observed in 19/23246 (0.082%) alleles from individuals of African background in large population cohorts (Lek et al., 2016). The R872W variant is a non-conservative amino acid substitution, which is likely to impact secondary protein structure as these residues differ in polarity, charge, size and/or other properties. In-silico analyses, including protein predictors and evolutionary conservation, support a deleterious effect. We interpret R872W as a variant of uncertain significance.

Eurofins Ntd Llc (ga)
Classification: Uncertain significance. Last evaluated: 2012-08-23. Review status: criteria provided, single submitter. Criteria: EGL Classification Definitions 2015. Collection method: clinical testing. Allele origin: germline. Observed: 1 variant allele, 1 heterozygote.

NM_001848.3(COL6A1):c.2614C>T (p.Arg872Trp)

Gene: COL6A1 (collagen type VI alpha 1 chain; plus strand). Cytogenetic location: 21q22.3.
Variant type: single nucleotide variant.
Coding change: c.2614C>T on transcript NM_001848.3 (MANE Select); coding-DNA position 2614, C replaced by T.
Protein change: p.Arg872Trp; replaces arginine 872 with tryptophan.
Molecular consequence: missense variant.
Genome position (GRCh38, 1-based): chr21:46,003,540, C>T. VCF-style: chr21-46003540-C-T. GRCh37 (hg19) VCF-style: chr21-47423454-C-T.
Identifiers: ClinVar variation 93862 (VCV000093862.17), dbSNP rs368561027, ClinGen allele CA221777.